The following is an entry in ClinVar:

ClinVar aggregate classification (germline): Benign. Review status: criteria provided, multiple submitters, no conflicts (2 of 4 stars). 3 submissions from 3 submitters: Benign (3). Last evaluated 2026-01-24.

Conditions:
Junctional epidermolysis bullosa with pyloric atresia. Also called: ITGB4-Related Epidermolysis Bullosa with Pyloric Atresia; ITGA6-Related Epidermolysis Bullosa with Pyloric Atresia; EPIDERMOLYSIS BULLOSA, JUNCTIONAL 5B, WITH PYLORIC ATRESIA; APLASIA CUTIS CONGENITA WITH GASTROINTESTINAL ATRESIA; CARMI SYNDROME; EB-PA-ACC. Identifiers: Orphanet 79403, MedGen C5676875, MONDO:0009183, OMIM 226730.

Allele frequency attached by ClinVar (database versions not stated): gnomAD exomes 0.00184; ExAC 0.00209; 1000 Genomes Project 0.00559; 1000 Genomes Project 30x 0.00593; gnomAD 0.00692 and 0.00745; ESP Exome Variant Server 0.00700; TOPMed 0.00826.
gnomAD v4.1: 2,197 of 1,613,974 alleles (0.14%); highest among the groups gnomAD compares: African/African-American, 2.5%; 14 homozygotes.

Submissions (3):

Labcorp Genetics (formerly Invitae), Labcorp
Classification: Benign. Last evaluated: 2026-01-24. Review status: criteria provided, single submitter. Criteria: Invitae Variant Classification Sherloc (09022015). Collection method: clinical testing. Allele origin: germline.

Illumina Laboratory Services, Illumina
Classification: Benign for Junctional epidermolysis bullosa with pyloric atresia. Last evaluated: 2018-01-12. Review status: criteria provided, single submitter. Criteria: ICSL Variant Classification Criteria 13 December 2019. Collection method: clinical testing. Allele origin: germline.
Comment: This variant was observed in the ICSL laboratory as part of a predisposition screen in an ostensibly healthy population. It had not been previously curated by ICSL or reported in the Human Gene Mutation Database (HGMD: prior to June 1st, 2018), and was therefore a candidate for classification through an automated scoring system. Utilizing variant allele frequency, disease prevalence and penetrance estimates, and inheritance mode, an automated score was calculated to assess if this variant is too frequent to cause the disease. Based on the score and internal cut-off values, a variant classified as benign is not then subjected to further curation. The score for this variant resulted in a classification of benign for this disease.

Breakthrough Genomics
Classification: Benign. Review status: criteria provided, single submitter. Criteria: ACMG Guidelines, 2015. Collection method: not provided. Allele origin: germline. Inheritance: Autosomal recessive inheritance. Affected: yes.

NM_000213.5(ITGB4):c.1667G>A (p.Arg556His)

Gene: ITGB4 (integrin subunit beta 4; plus strand). Cytogenetic location: 17q25.1.
Variant type: single nucleotide variant.
Coding change: c.1667G>A on transcript NM_000213.5 (MANE Select); coding-DNA position 1667, G replaced by A.
Protein change: p.Arg556His; replaces arginine 556 with histidine.
Molecular consequence: missense variant.
Genome position (GRCh38, 1-based): chr17:75,736,060, G>A. VCF-style: chr17-75736060-G-A. GRCh37 (hg19) VCF-style: chr17-73732141-G-A.
Other names: c.1667G>A, p.Arg556His (NM_001005619.2, NM_001005731.3, NM_001321123.2); short protein forms R556H.
Identifiers: ClinVar variation 325148 (VCV000325148.14), dbSNP rs142562582, ClinGen allele CA8769098.
Genomic context (GRCh38, chr17:75,736,060, plus strand): 5'-ACTACAGGCACAGATGTAGCTCTCATCTCCCTTCCTTGTCCCTCTCTGCAGACCGAGGAC[G>A]CTGCTCCATGGGCCAGTGTGTGTGTGAGCCTGGTTGGACAGGCCCAAGCTGTGACTGTCC-3'
Protein context (NP_000204.3, residues 546-566): TSGFLCNDRG[Arg556His]CSMGQCVCEP